The following is an entry in ClinVar:

ClinVar aggregate classification (germline): Uncertain significance. Review status: criteria provided, multiple submitters, no conflicts (2 of 4 stars). 2 submissions from 2 submitters: Uncertain significance (2). Last evaluated 2025-08-05.

Submissions (2):

Labcorp Genetics (formerly Invitae), Labcorp
Classification: Uncertain significance. Last evaluated: 2025-08-05. Review status: criteria provided, single submitter. Criteria: Invitae Variant Classification Sherloc (09022015). Collection method: clinical testing. Allele origin: germline.
Comment: This sequence change replaces cysteine, which is neutral and slightly polar, with arginine, which is basic and polar, at codon 1556 of the KMT2A protein (p.Cys1556Arg). This variant is not present in population databases (gnomAD no frequency). This variant has not been reported in the literature in individuals affected with KMT2A-related conditions. ClinVar contains an entry for this variant (Variation ID: 2692508). Invitae Evidence Modeling of protein sequence and biophysical properties (such as structural, functional, and spatial information, amino acid conservation, physicochemical variation, residue mobility, and thermodynamic stability) indicates that this missense variant is expected to disrupt KMT2A protein function with a positive predictive value of 95%. In summary, the available evidence is currently insufficient to determine the role of this variant in disease. Therefore, it has been classified as a Variant of Uncertain Significance.

Greenwood Genetic Center Diagnostic Laboratories, Greenwood Genetic Center
Classification: Uncertain significance. Last evaluated: 2023-12-18. Review status: criteria provided, single submitter. Criteria: ACMG Guidelines, 2015. Collection method: clinical testing. Allele origin: germline. Affected: yes.
Comment: PM2, PP2, PP3

NM_001197104.2(KMT2A):c.4666T>C (p.Cys1556Arg)

Gene: KMT2A (lysine methyltransferase 2A; plus strand). Cytogenetic location: 11q23.3.
Variant type: single nucleotide variant.
Coding change: c.4666T>C on transcript NM_001197104.2 (MANE Select); coding-DNA position 4666, T replaced by C.
Protein change: p.Cys1556Arg; replaces cysteine 1556 with arginine.
Molecular consequence: missense variant.
Genome position (GRCh38, 1-based): chr11:118,490,219, T>C. VCF-style: chr11-118490219-T-C. GRCh37 (hg19) VCF-style: chr11-118360934-T-C.
Other names: c.4765T>C, p.Cys1589Arg (NM_001412597.1); c.4666T>C, p.Cys1556Arg (NM_005933.4); short protein forms C1589R, C1556R.
Identifiers: ClinVar variation 2692508 (VCV002692508.2), dbSNP rs2496913305, ClinGen allele CA382834149.